The following is an entry in ClinVar:

NM_006231.4(POLE):c.1923+12C>G

Gene: POLE (DNA polymerase epsilon, catalytic subunit; minus strand). Cytogenetic location: 12q24.33.
Variant type: single nucleotide variant.
Coding change: c.1923+12C>G on transcript NM_006231.4 (MANE Select); 12 bases into the intron after coding-DNA position 1923, C replaced by G.
Molecular consequence: intron variant.
Genome position (GRCh38, 1-based): chr12:132,668,799, G>C on the plus strand (C>G on the coding strand, the complement: POLE is on the minus strand). VCF-style: chr12-132668799-G-C. GRCh37 (hg19) VCF-style: chr12-133245385-G-C.
Identifiers: ClinVar variation 509819 (VCV000509819.5), dbSNP rs764448704, ClinGen allele CA658797992.

ClinVar aggregate classification (germline): Likely benign. Review status: criteria provided, multiple submitters, no conflicts (2 of 4 stars). 2 submissions from 2 submitters: Likely benign (2). Last evaluated 2025-12-21.

gnomAD v4.1: 1 of 1,614,038 alleles (0.000062%); no homozygotes.

Submissions (2):

Labcorp Genetics (formerly Invitae), Labcorp
Classification: Likely benign. Last evaluated: 2025-12-21. Review status: criteria provided, single submitter. Criteria: Invitae Variant Classification Sherloc (09022015). Collection method: clinical testing. Allele origin: germline.

GeneDx
Classification: Likely benign. Last evaluated: 2017-05-24. Review status: criteria provided, single submitter. Criteria: GeneDx Variant Classification (06012015). Collection method: clinical testing. Allele origin: germline. Affected: yes.
Comment: This variant is considered likely benign or benign based on one or more of the following criteria: it is a conservative change, it occurs at a poorly conserved position in the protein, it is predicted to be benign by multiple in silico algorithms, and/or has population frequency not consistent with disease.